The following is an entry in ClinVar:

ClinVar aggregate classification (germline): Uncertain significance (1 of 4 stars; one submission).

gnomAD v4.1: 7 of 1,613,446 alleles (0.00043%); highest among the groups gnomAD compares: Middle Eastern, 0.033%; no homozygotes.

Submission:

Labcorp Genetics (formerly Invitae), Labcorp
Classification: Uncertain significance. Last evaluated: 2025-12-16. Review status: criteria provided, single submitter. Criteria: Invitae Variant Classification Sherloc (09022015). Collection method: clinical testing. Allele origin: germline.
Comment: This sequence change replaces histidine, which is basic and polar, with arginine, which is basic and polar, at codon 1013 of the FOCAD protein (p.His1013Arg). This variant is present in population databases (no rsID available, gnomAD 0.0009%). This variant has not been reported in the literature in individuals affected with FOCAD-related conditions. Experimental studies and prediction algorithms are not available or were not evaluated, and the functional significance of this variant is currently unknown. In summary, the available evidence is currently insufficient to determine the role of this variant in disease. Therefore, it has been classified as a Variant of Uncertain Significance.

NM_001375567.1(FOCAD):c.3038A>G (p.His1013Arg)

Gene: FOCAD (focadhesin; plus strand). Cytogenetic location: 9p21.3.
Variant type: single nucleotide variant.
Coding change: c.3038A>G on transcript NM_001375567.1 (MANE Select); coding-DNA position 3038, A replaced by G.
Protein change: p.His1013Arg; replaces histidine 1013 with arginine.
Molecular consequence: missense variant.
Genome position (GRCh38, 1-based): chr9:20,926,377, A>G. VCF-style: chr9-20926377-A-G. GRCh37 (hg19) VCF-style: chr9-20926376-A-G.
Other names: c.2933A>G, p.His978Arg (NM_001375568.1, NM_001375570.1); c.3038A>G, p.His1013Arg (NM_017794.5); short protein forms H1013R, H978R.
Identifiers: ClinVar variation 4748968 (VCV004748968.1).